The following is an entry in ClinVar:

NM_004655.4(AXIN2):c.933C>T (p.Ser311=)

Gene: AXIN2 (axin 2; minus strand). Cytogenetic location: 17q24.1.
Variant type: single nucleotide variant.
Coding change: c.933C>T on transcript NM_004655.4 (MANE Select); coding-DNA position 933, C replaced by T.
Protein change: p.Ser311=; no amino-acid change (serine 311 retained).
Molecular consequence: synonymous variant.
Genome position (GRCh38, 1-based): chr17:65,549,543, G>A on the plus strand (C>T on the coding strand, the complement: AXIN2 is on the minus strand). VCF-style: chr17-65549543-G-A. GRCh37 (hg19) VCF-style: chr17-63545661-G-A.
Other names: c.933C>T, p.Ser311= (NM_001363813.1).
Identifiers: ClinVar variation 2766268 (VCV002766268.4), dbSNP rs2144537927, ClinGen allele CA501476680.

ClinVar aggregate classification (germline): Benign/Likely benign. Review status: criteria provided, multiple submitters, no conflicts (2 of 4 stars). 2 submissions from 2 submitters: Benign (1); Likely benign (1). Last evaluated 2024-06-28.

Conditions:
Oligodontia-cancer predisposition syndrome. Also called: TOOTH AGENESIS-COLORECTAL CANCER SYNDROME. Identifiers: Orphanet 300576, MedGen C1837750, MONDO:0012075, OMIM 608615. Disease mechanism: loss of function.

Submissions (2):

Myriad Genetics, Inc.
Classification: Benign for Oligodontia-cancer predisposition syndrome. Last evaluated: 2024-06-28. Review status: criteria provided, single submitter. Criteria: Myriad Autosomal Dominant, Autosomal Recessive and X-Linked Classification Criteria (2023). Collection method: clinical testing. Allele origin: unknown.
Comment: This variant is considered benign. This variant is a silent/synonymous amino acid change and it is not expected to impact splicing.

Labcorp Genetics (formerly Invitae), Labcorp
Classification: Likely benign for Oligodontia-cancer predisposition syndrome. Last evaluated: 2023-10-06. Review status: criteria provided, single submitter. Criteria: Invitae Variant Classification Sherloc (09022015). Collection method: clinical testing. Allele origin: germline.